The following is an entry in ClinVar:

ClinVar aggregate classification (germline): Uncertain significance (1 of 4 stars; one submission).

Submission:

GeneDx
Classification: Uncertain significance. Last evaluated: 2022-11-09. Review status: criteria provided, single submitter. Criteria: GeneDx Variant Classification Process June 2021. Collection method: clinical testing. Allele origin: germline. Affected: yes.
Comment: Not observed in large population cohorts (gnomAD); In-frame deletion of 2 amino acids in a non-repeat region; In silico analysis supports a deleterious effect on protein structure/function; Has not been previously published as pathogenic or benign to our knowledge

NM_007118.4(TRIO):c.7938_7943del (p.2645KD[1])

Gene: TRIO (trio Rho guanine nucleotide exchange factor; plus strand). Cytogenetic location: 5p15.2.
Variant type: Deletion.
Coding change: c.7938_7943del on transcript NM_007118.4 (MANE Select); coding-DNA positions 7938 to 7943, 6 bases deleted (TAAAGA; older notation c.7938_7943delTAAAGA).
Protein change: p.2645KD[1].
Molecular consequence: inframe deletion. On other transcripts: non-coding transcript variant (1).
Genome position (GRCh38, 1-based): chr5:14,496,936-14,496,941, TAAAGA deleted; deleting any 6 consecutive bases within chr5:14,496,931-14,496,941 gives the same sequence; the c. name uses the placement nearest the transcript's 3' end. VCF-style (leftmost placement, unchanged base first): chr5-14496930-AAAAGAT-A. GRCh37 (hg19) VCF-style: chr5-14497039-AAAAGAT-A.
Identifiers: ClinVar variation 1723635 (VCV001723635.2), dbSNP rs1756933574, ClinGen allele CA1528775697.